The following is an entry in ClinVar:

NM_004268.5(MED17):c.538C>T (p.Gln180Ter)

Gene: MED17 (mediator complex subunit 17; plus strand). Cytogenetic location: 11q21.
Variant type: single nucleotide variant.
Coding change: c.538C>T on transcript NM_004268.5 (MANE Select); coding-DNA position 538, C replaced by T.
Protein change: p.Gln180Ter; replaces glutamine 180 with a stop codon.
Molecular consequence: nonsense.
Genome position (GRCh38, 1-based): chr11:93,790,694, C>T. VCF-style: chr11-93790694-C-T. GRCh37 (hg19) VCF-style: chr11-93523860-C-T.
Other names: c.538C>T (NM_004268.4); short protein forms Q180*.
Identifiers: ClinVar variation 3003976 (VCV003003976.4), dbSNP rs1392631759, ClinGen allele CA382353952.

ClinVar aggregate classification (germline): Pathogenic/Likely pathogenic. Review status: criteria provided, multiple submitters, no conflicts (2 of 4 stars). 2 submissions from 2 submitters: Pathogenic (1); Likely pathogenic (1). Last evaluated 2025-10-20.

Conditions:
Infantile cerebral and cerebellar atrophy with postnatal progressive microcephaly (MSBA). Identifiers: Orphanet 402364, MedGen C3150921, MONDO:0013351, OMIM 613668.

Allele frequency attached by ClinVar (database versions not stated): gnomAD 0.00001; TOPMed 0.00001.
gnomAD v4.1: 2 of 1,614,050 alleles (0.00012%); highest among the groups gnomAD compares: African/African-American, 0.0027%; no homozygotes.

Submissions (2):

Natera, Inc.
Classification: Likely pathogenic for Postnatal progressive microcephaly with seizures and brain atrophy. Last evaluated: 2025-10-20. Review status: criteria provided, single submitter. Criteria: Natera Variant Classification Schema (03/2026). Collection method: clinical testing. Allele origin: germline.
Comment: The c.538C>T variant in MED17 is a nonsense variant predicted to introduce a stop codon at amino acid 180. This variant is expected to result in nonsense mediated decay, truncation, or a dysfunctional protein product. This variant is rare in the general population with a frequency below the threshold expected for the associated phenotype(s). Given the available evidence, this variant is classified as Likely Pathogenic.

Labcorp Genetics (formerly Invitae), Labcorp
Classification: Pathogenic. Last evaluated: 2023-05-11. Review status: criteria provided, single submitter. Criteria: Invitae Variant Classification Sherloc (09022015). Collection method: clinical testing. Allele origin: germline.
Comment: This sequence change creates a premature translational stop signal (p.Gln180*) in the MED17 gene. It is expected to result in an absent or disrupted protein product. Loss-of-function variants in MED17 are known to be pathogenic (PMID: 20950787, 26004231, 30345598). This variant is present in population databases (no rsID available, gnomAD 0.008%). This variant has not been reported in the literature in individuals affected with MED17-related conditions. For these reasons, this variant has been classified as Pathogenic.

Literature cited by the submitters: PubMed 20950787 (cited by Labcorp Genetics (formerly Invitae), Labcorp); PubMed 26004231 (cited by Labcorp Genetics (formerly Invitae), Labcorp); PubMed 30345598 (cited by Labcorp Genetics (formerly Invitae), Labcorp).